The following is an entry in ClinVar:

ClinVar aggregate classification (germline): Benign/Likely benign. Review status: criteria provided, multiple submitters, no conflicts (2 of 4 stars). 6 submissions from 6 submitters: Benign (2); Likely benign (4). Last evaluated 2026-07-19.

Conditions:
MME-related disorder. Also called: MME-related condition.

Allele frequency attached by ClinVar (database versions not stated): gnomAD exomes 0.00094; ExAC 0.00109; gnomAD 0.00316 and 0.00330; ESP Exome Variant Server 0.00369; TOPMed 0.00376; 1000 Genomes Project 0.00379; 1000 Genomes Project 30x 0.00406.
gnomAD v4.1: 1,087 of 1,611,852 alleles (0.067%); highest among the groups gnomAD compares: African/African-American, 1%; 5 homozygotes.

Submissions (6):

PreventionGenetics, part of Exact Sciences
Classification: Likely benign for MME-related condition. Last evaluated: 2026-07-19. Review status: criteria provided, single submitter. Criteria: ACMG Guidelines, 2015. Collection method: clinical testing. Allele origin: germline.
Comment: This variant is classified as likely benign based on ACMG/AMP sequence variant interpretation guidelines (Richards et al. 2015 PMID: 25741868, with internal and published modifications).

Labcorp Genetics (formerly Invitae), Labcorp
Classification: Benign. Last evaluated: 2026-01-27. Review status: criteria provided, single submitter. Criteria: Invitae Variant Classification Sherloc (09022015). Collection method: clinical testing. Allele origin: germline.

Blueprint Genetics
Classification: Likely benign. Last evaluated: 2024-09-19. Review status: criteria provided, single submitter. Criteria: ACMG Guidelines, 2015. Collection method: clinical testing. Allele origin: germline.

CeGaT Center for Human Genetics Tuebingen
Classification: Benign. Last evaluated: 2024-06-01. Review status: criteria provided, single submitter. Criteria: CeGaT Center For Human Genetics Tuebingen Variant Classification Criteria Version 2. Collection method: clinical testing. Allele origin: germline. Affected: yes. Observed: 1 variant allele.
Comment: MME: BP4, BP7, BS1, BS2

GeneDx
Classification: Likely benign. Last evaluated: 2020-11-10. Review status: criteria provided, single submitter. Criteria: GeneDx Variant Classification Process June 2021. Collection method: clinical testing. Allele origin: germline. Affected: yes.

Breakthrough Genomics
Classification: Likely benign. Review status: criteria provided, single submitter. Criteria: ACMG Guidelines, 2015. Collection method: not provided. Allele origin: germline. Inheritance: Autosomal recessive inheritance. Affected: yes.

NM_007289.4(MME):c.1191C>T (p.Ala397=)

Gene: MME (membrane metalloendopeptidase; plus strand). Cytogenetic location: 3q25.2.
Variant type: single nucleotide variant.
Coding change: c.1191C>T on transcript NM_007289.4 (MANE Select); coding-DNA position 1191, C replaced by T.
Protein change: p.Ala397=; no amino-acid change (alanine 397 retained).
Molecular consequence: synonymous variant.
Genome position (GRCh38, 1-based): chr3:155,143,445, C>T. VCF-style: chr3-155143445-C-T. GRCh37 (hg19) VCF-style: chr3-154861234-C-T.
Other names: c.1191C>T, p.Ala397= (NM_000902.5, NM_001354642.2, NM_001354643.1 and 2 more transcripts).
Identifiers: ClinVar variation 712514 (VCV000712514.33), dbSNP rs35227300, ClinGen allele CA2675427.